The following is an entry in ClinVar:

ClinVar aggregate classification (germline): Likely pathogenic (1 of 4 stars; one submission).

Conditions:
Osteogenesis imperfecta type I (OI1). Also called: Lobstein's Disease; Classic Non-deforming Osteogenesis Imperfecta with Blue Sclerae; OI, TYPE I; OSTEOGENESIS IMPERFECTA TARDA; OSTEOGENESIS IMPERFECTA WITH BLUE SCLERAE; Osteogenesis imperfecta type 1. Identifiers: Orphanet 216796, Orphanet 666, MedGen C0023931, MONDO:0008146, OMIM 166200. Disease mechanism: loss of function.

Submission:

Laboratorio de Genetica e Diagnostico Molecular, Hospital Israelita Albert Einstein
Classification: Likely pathogenic for Osteogenesis imperfecta type I. Last evaluated: 2022-08-15. Review status: criteria provided, single submitter. Criteria: ACMG Guidelines, 2015. Collection method: clinical testing. Allele origin: germline. Affected: yes. Observed: 1 variant allele.
Comment: ACMG classification criteria: PVS1 very strong, PM2 moderated

NM_000088.4(COL1A1):c.409C>T (p.Gln137Ter)

Gene: COL1A1 (collagen type I alpha 1 chain; minus strand). Cytogenetic location: 17q21.33.
Variant type: single nucleotide variant.
Coding change: c.409C>T on transcript NM_000088.4 (MANE Select); coding-DNA position 409, C replaced by T.
Protein change: p.Gln137Ter; replaces glutamine 137 with a stop codon.
Molecular consequence: nonsense.
Genome position (GRCh38, 1-based): chr17:50,199,288, G>A on the plus strand (C>T on the coding strand, the complement: COL1A1 is on the minus strand). VCF-style: chr17-50199288-G-A. GRCh37 (hg19) VCF-style: chr17-48276649-G-A.
Other names: short protein forms Q137*.
Identifiers: ClinVar variation 2431889 (VCV002431889.1), dbSNP rs2509253797, ClinGen allele CA400227413.